The following is an entry in ClinVar:

NM_138694.4(PKHD1):c.9829+1dup

Gene: PKHD1 (PKHD1 ciliary IPT domain containing fibrocystin/polyductin; minus strand). Cytogenetic location: 6p12.3.
Variant type: Duplication.
Coding change: c.9829+1dup on transcript NM_138694.4 (MANE Select); the canonical splice donor site of the intron after coding-DNA position 9829, one base duplicated (G; older notation c.9829+1dupG).
Molecular consequence: splice donor variant.
Genome position (GRCh38, 1-based): chr6:51,747,786, C duplicated on the plus strand (G on the coding strand, the reverse complement: PKHD1 is on the minus strand); the first of 2 consecutive C bases (chr6:51,747,786-51,747,787); duplicating either gives the same sequence. VCF-style (leftmost placement, unchanged base first): chr6-51747785-A-AC. GRCh37 (hg19) VCF-style: chr6-51612583-A-AC.
Other names: c.9829+1dup (NM_170724.3); c.9829+1dupG (NM_138694.3).
Identifiers: ClinVar variation 2415604 (VCV002415604.10), dbSNP rs1188399385, ClinGen allele CA567287026.

ClinVar aggregate classification (germline): Likely pathogenic. Review status: criteria provided, multiple submitters, no conflicts (2 of 4 stars). 3 submissions from 3 submitters: Likely pathogenic (3). Last evaluated 2025-12-12.

Conditions:
Autosomal recessive polycystic kidney disease (ARPKD). Also called: AR polycystic kidney disease. Identifiers: Orphanet 731, Orphanet 8378, MedGen C0085548, MeSH D017044, MONDO:0009889.
Polycystic kidney disease 4 (PKD4). Also called: PKD3; POLYCYSTIC KIDNEY AND HEPATIC DISEASE 1; POLYCYSTIC KIDNEY DISEASE, INFANTILE, TYPE I; POLYCYSTIC KIDNEY DISEASE 4 WITH OR WITHOUT POLYCYSTIC LIVER DISEASE; Autosomal Recessive Polycystic Kidney Disease – PKHD1. Identifiers: MedGen C4540575, MONDO:0033004, OMIM 263200.

Submissions (3):

Natera, Inc.
Classification: Likely pathogenic for Autosomal recessive polycystic kidney disease. Last evaluated: 2025-12-12. Review status: criteria provided, single submitter. Criteria: Natera Variant Classification Schema (03/2026). Collection method: clinical testing. Allele origin: germline.
Comment: The c.9829+1dupG variant in PKHD1 is a canonical splice donor site variant predicted to affect pre-mRNA splicing, which may result in an abnormal transcript and altered protein product. This variant is expected to result in nonsense mediated decay, truncation, or a dysfunctional protein product. This variant is rare in the general population with a frequency below the threshold expected for the associated phenotype(s). Given the available evidence, this variant is classified as Likely Pathogenic.

Labcorp Genetics (formerly Invitae), Labcorp
Classification: Likely pathogenic for Autosomal recessive polycystic kidney disease. Last evaluated: 2024-04-02. Review status: criteria provided, single submitter. Criteria: Invitae Variant Classification Sherloc (09022015). Collection method: clinical testing. Allele origin: germline.
Comment: This sequence change affects a splice site in intron 58 of the PKHD1 gene. It is expected to disrupt RNA splicing. Variants that disrupt the donor or acceptor splice site typically lead to a loss of protein function (PMID: 16199547), and loss-of-function variants in PKHD1 are known to be pathogenic (PMID: 19940839). This variant is present in population databases (no rsID available, gnomAD 0.007%). This variant has not been reported in the literature in individuals affected with PKHD1-related conditions. ClinVar contains an entry for this variant (Variation ID: 2415604). Algorithms developed to predict the effect of sequence changes on RNA splicing suggest that this variant may disrupt the consensus splice site. In summary, the currently available evidence indicates that the variant is pathogenic, but additional data are needed to prove that conclusively. Therefore, this variant has been classified as Likely Pathogenic.

Baylor Genetics
Classification: Likely pathogenic for Polycystic kidney disease 4. Last evaluated: 2023-11-15. Review status: criteria provided, single submitter. Criteria: ACMG Guidelines, 2015. Collection method: clinical testing. Allele origin: unknown.

Literature cited by the submitters: PubMed 16199547 (cited by Labcorp Genetics (formerly Invitae), Labcorp); PubMed 19940839 (cited by Labcorp Genetics (formerly Invitae), Labcorp).